The following is an entry in ClinVar:

NM_021971.4(GMPPB):c.614G>A (p.Gly205Glu)

Gene: GMPPB (GDP-mannose pyrophosphorylase B; minus strand). Cytogenetic location: 3p21.31.
Variant type: single nucleotide variant.
Coding change: c.614G>A on transcript NM_021971.4 (MANE Select); coding-DNA position 614, G replaced by A.
Protein change: p.Gly205Glu; replaces glycine 205 with glutamic acid.
Molecular consequence: missense variant.
Genome position (GRCh38, 1-based): chr3:49,722,458, C>T on the plus strand (G>A on the coding strand, the complement: GMPPB is on the minus strand). VCF-style: chr3-49722458-C-T. GRCh37 (hg19) VCF-style: chr3-49759891-C-T.
Other names: c.614G>A, p.Gly205Glu (NM_013334.4); short protein forms G205E.
Identifiers: ClinVar variation 2174419 (VCV002174419.3), dbSNP rs1220901850, ClinGen allele CA352828412.

ClinVar aggregate classification (germline): Uncertain significance (1 of 4 stars; one submission).

Conditions:
Muscular dystrophy-dystroglycanopathy (congenital with brain and eye anomalies), type A14. Also called: WALKER-WARBURG SYNDROME OR MUSCLE-EYE-BRAIN DISEASE, GMPPB-RELATED; Muscular dystrophy-dystroglycanopathy (congenital with brain and eye anomalies), type a, 14; Congenital Muscular Dystrophy-Dystroglycanopathy with Brain and Eye Anomalies Type A 14; Congenital muscular dystrophy-dystroglycanopathy with brain and eye anomalies, type A14. Identifiers: Orphanet 588, MedGen C3809216, MONDO:0014140, OMIM 615350.
Muscular dystrophy-dystroglycanopathy (congenital with impaired intellectual development), type B, 14. Also called: Muscular dystrophy-dystroglycanopathy (congenital with intellectual disability), type B14; MUSCULAR DYSTROPHY, CONGENITAL, GMPPB-RELATED; Congenital muscular dystrophy-dystroglycanopathy with mental retardation, type B14. Identifiers: MedGen C3809221, MONDO:0014141, OMIM 615351.
Autosomal recessive limb-girdle muscular dystrophy type 2T. Also called: MUSCULAR DYSTROPHY-DYSTROGLYCANOPATHY, LIMB-GIRDLE, GMPPB-RELATED; MUSCULAR DYSTROPHY, LIMB-GIRDLE, TYPE 2T; Muscular dystrophy-dystroglycanopathy (limb-girdle), type c, 14; Limb-girdle muscular dystrophy-dystroglycanopathy, type C14. Identifiers: Orphanet 363623, MedGen C4518000, MONDO:0014142, OMIM 615352.

Allele frequency attached by ClinVar (database versions not stated): TOPMed below 0.00001.
gnomAD v4.1: 7 of 1,614,146 alleles (0.00043%); highest among the groups gnomAD compares: African/African-American, 0.0027%; no homozygotes.

Submission:

Labcorp Genetics (formerly Invitae), Labcorp
Classification: Uncertain significance for Autosomal recessive limb-girdle muscular dystrophy type 2T; Muscular dystrophy-dystroglycanopathy (congenital with brain and eye anomalies), type A14; Muscular dystrophy-dystroglycanopathy (congenital with impaired intellectual development), type B, 14. Last evaluated: 2022-03-14. Review status: criteria provided, single submitter. Criteria: Invitae Variant Classification Sherloc (09022015). Collection method: clinical testing. Allele origin: germline.
Comment: Algorithms developed to predict the effect of missense changes on protein structure and function (SIFT, PolyPhen-2, Align-GVGD) all suggest that this variant is likely to be tolerated. In summary, the available evidence is currently insufficient to determine the role of this variant in disease. Therefore, it has been classified as a Variant of Uncertain Significance. This variant has not been reported in the literature in individuals affected with GMPPB-related conditions. This sequence change replaces glycine, which is neutral and non-polar, with glutamic acid, which is acidic and polar, at codon 205 of the GMPPB protein (p.Gly205Glu). This variant is present in population databases (no rsID available, gnomAD 0.007%).